The following is an entry in ClinVar:

NM_005236.3(ERCC4):c.2603A>G (p.His868Arg)

Gene: ERCC4 (ERCC excision repair 4, endonuclease catalytic subunit; plus strand). Cytogenetic location: 16p13.12.
Variant type: single nucleotide variant.
Coding change: c.2603A>G on transcript NM_005236.3 (MANE Select); coding-DNA position 2603, A replaced by G.
Protein change: p.His868Arg; replaces histidine 868 with arginine.
Molecular consequence: missense variant.
Genome position (GRCh38, 1-based): chr16:13,948,199, A>G. VCF-style: chr16-13948199-A-G. GRCh37 (hg19) VCF-style: chr16-14042056-A-G.
Other names: short protein forms H868R.
Identifiers: ClinVar variation 646565 (VCV000646565.8), dbSNP rs368064765, ClinGen allele CA394824549.

ClinVar aggregate classification (germline): Uncertain significance (1 of 4 stars; one submission).

Conditions:
Xeroderma pigmentosum, group F (XPF). Also called: ERCC4-Related Xeroderma Pigmentosum; XERODERMA PIGMENTOSUM VI; XP, GROUP F; XERODERMA PIGMENTOSUM, TYPE F; Xeroderma pigmentosum, type 6; XERODERMA PIGMENTOSUM, COMPLEMENTATION GROUP F. Identifiers: MedGen C0268140, MONDO:0010215, OMIM 278760.
Cockayne syndrome. Identifiers: Orphanet 191, MedGen C0009207, MONDO:0016006.
Fanconi anemia complementation group Q. Identifiers: Orphanet 84, MedGen C3808988, MONDO:0014108, OMIM 615272.

gnomAD v4.1: 1 of 1,614,170 alleles (0.000062%); no homozygotes.

Submission:

Labcorp Genetics (formerly Invitae), Labcorp
Classification: Uncertain significance for Fanconi anemia complementation group Q; Xeroderma pigmentosum, group F; Cockayne syndrome. Last evaluated: 2024-11-05. Review status: criteria provided, single submitter. Criteria: Invitae Variant Classification Sherloc (09022015). Collection method: clinical testing. Allele origin: germline.
Comment: This sequence change replaces histidine, which is basic and polar, with arginine, which is basic and polar, at codon 868 of the ERCC4 protein (p.His868Arg). This variant is not present in population databases (gnomAD no frequency). This variant has not been reported in the literature in individuals affected with ERCC4-related conditions. ClinVar contains an entry for this variant (Variation ID: 646565). Invitae Evidence Modeling of protein sequence and biophysical properties (such as structural, functional, and spatial information, amino acid conservation, physicochemical variation, residue mobility, and thermodynamic stability) indicates that this missense variant is not expected to disrupt ERCC4 protein function with a negative predictive value of 80%. In summary, the available evidence is currently insufficient to determine the role of this variant in disease. Therefore, it has been classified as a Variant of Uncertain Significance.